The following is an entry in ClinVar:

NM_000218.3(KCNQ1):c.564G>A (p.Trp188Ter)

Gene: KCNQ1 (potassium voltage-gated channel subfamily Q member 1; plus strand). Cytogenetic location: 11p15.5.
Variant type: single nucleotide variant.
Coding change: c.564G>A on transcript NM_000218.3 (MANE Select); coding-DNA position 564, G replaced by A.
Protein change: p.Trp188Ter; replaces tryptophan 188 with a stop codon.
Molecular consequence: nonsense.
Genome position (GRCh38, 1-based): chr11:2,570,714, G>A. VCF-style: chr11-2570714-G-A. GRCh37 (hg19) VCF-style: chr11-2591944-G-A.
Other names: c.564G>A, p.Trp188Ter (NM_001406836.1); c.294G>A, p.Trp98Ter (NM_001406837.1); c.183G>A, p.Trp61Ter (NM_181798.2); short protein forms W188*, W61*, W98*.
Identifiers: ClinVar variation 263738 (VCV000263738.32), dbSNP rs530612385, ClinGen allele CA10587720.

ClinVar aggregate classification (germline): Pathogenic/Likely pathogenic. Review status: criteria provided, multiple submitters, no conflicts (2 of 4 stars). 7 submissions from 7 submitters: Pathogenic (3); Likely pathogenic (3). 1 of the submissions does not count toward it. Last evaluated 2025-12-01.

Conditions:
Cardiovascular phenotype. Identifiers: MedGen CN230736.
KCNQ1-related disorder. Also called: KCNQ1-related disorders; KCNQ1-related condition. Identifiers: MedGen CN239322.
Cardiac arrhythmia. Also called: Cardiac rhythm disease; Arrhythmia. Identifiers: MedGen C0003811, MONDO:0007263, HP:0011675.
Long QT syndrome (LQTS). Identifiers: MedGen C0023976, MeSH D008133, MONDO:0002442. Disease mechanism: loss of function. Inheritance: Various modes of inheritance.
Long QT syndrome 1 (LQT1). Identifiers: Orphanet 101016, Orphanet 768, MedGen C4551647, MONDO:0100316, OMIM 192500, MONDO:0008646.

Submissions (7):

Labcorp Genetics (formerly Invitae), Labcorp
Classification: Pathogenic for Long QT syndrome. Last evaluated: 2025-12-01. Review status: criteria provided, single submitter. Criteria: Invitae Variant Classification Sherloc (09022015). Collection method: clinical testing. Allele origin: germline.
Comment: This sequence change creates a premature translational stop signal (p.Trp188*) in the KCNQ1 gene. It is expected to result in an absent or disrupted protein product. Loss-of-function variants in KCNQ1 are known to be pathogenic (PMID: 9323054, 19862833). This variant is not present in population databases (gnomAD no frequency). This premature translational stop signal has been observed in individual(s) with clinical features of long QT syndrome (PMID: 19716085). ClinVar contains an entry for this variant (Variation ID: 263738). For these reasons, this variant has been classified as Pathogenic.

Color Diagnostics, LLC DBA Color Health
Classification: Pathogenic for Cardiac arrhythmia. Last evaluated: 2024-02-20. Review status: criteria provided, single submitter. Criteria: ACMG Guidelines, 2015. Collection method: clinical testing. Allele origin: germline.
Comment: This variant changes 1 nucleotide in exon 3 of the KCNQ1 gene, creating a premature translation stop signal. This variant is expected to result in an absent or non-functional protein product. This variant has been reported in individuals affected with or suspected of having long QT syndrome (PMID: 19716085, 26318259). This variant has not been identified in the general population by the Genome Aggregation Database (gnomAD). Loss of KCNQ1 function is a known mechanism of disease. Based on the available evidence, this variant is classified as Pathogenic.

All of Us Research Program, National Institutes of Health
Classification: Likely pathogenic for Long QT syndrome. Last evaluated: 2024-01-04. Review status: criteria provided, single submitter. Criteria: ACMG Guidelines, 2015. Collection method: clinical testing. Allele origin: germline. Inheritance: Autosomal dominant inheritance. Observed: 1 variant allele, 1 heterozygote.
Comment: The c.564G>A (p.Trp188*) variant in the KCNQ1 gene creates a premature translational stop codon in the KCNQ1 gene. It is predicted to result in an absent or disrupted protein product. Loss-of-function variants in KCNQ1 are known to be pathogenic (PMID: 9323054, 19862833). This premature translational stop signal has been observed in individual(s) with clinical features of long QT syndrome (PMID: 19716085, PMID: 26318259). This variant is absent in the general population database (gnomAD). ClinVar contains an entry for this variant (Variation ID: 263738). Based on the available evidence the c.564G>A (p.Trp188*) variant in the KCNQ1 gene is classified as likely pathogenic.

This study involves interpretation of variants in research participants for the purpose of population health screening. Participant phenotype was not available at the time of variant classification. Additional details can be found in publication PMID: 35346344, PMCID: PMC8962531

GeneDx
Classification: Likely pathogenic. Last evaluated: 2022-11-22. Review status: criteria provided, single submitter. Criteria: GeneDx Variant Classification Process June 2021. Collection method: clinical testing. Allele origin: germline. Affected: yes.
Comment: Reported in an individual with Long QT syndrome in published literature (Kapplinger et al., 2009); clinical information is limited; Nonsense variant predicted to result in protein truncation or nonsense mediated decay in a gene for which loss of function is a known mechanism of disease; Not observed at significant frequency in large population cohorts (gnomAD); This variant is associated with the following publications: (PMID: 19716085)

Blueprint Genetics
Classification: Likely pathogenic for KCNQ1-related disorders. Last evaluated: 2018-06-20. Review status: criteria provided, single submitter. Criteria: ACMG Guidelines, 2015. Collection method: clinical testing. Allele origin: germline. Affected: yes. Observed: 1 variant allele.

Ambry Genetics
Classification: Pathogenic for Cardiovascular phenotype. Last evaluated: 2015-03-23. Review status: criteria provided, single submitter. Criteria: Ambry Variant Classification Scheme 2023. Collection method: clinical testing. Allele origin: germline.
Comment: The p.W188* pathogenic mutation (also known as c.564G>A), located in coding exon 3 of the KCNQ1 gene, results from a G to A substitution at nucleotide position 564. This changes the amino acid at codon 188 from a tryptophan to a stop codon. In a study of long QT syndrome clinical genetic testing, this nonsense pathogenic mutation was reported in one patient (Kapplinger JD et al. Heart Rhythm. 2009;6(9):1297-303). In addition, nonsense mutations in the KCNQ1 gene have been described in multiple individuals with long QT syndrome and arrhythmias, demonstrating truncation mutations are pathogenic for disease. In addition to the clinical data presented in the literature, since premature stop codons are typically deleterious in nature, this alteration is interpreted as a disease-causing mutation (ACMG Recommendations for Standards for Interpretation and Reporting of Sequence Variations. Revision 2007. Genet Med. 2008;10:294).

Clinical Laboratory Sciences Program (CLSP), King Saud bin Abdulaziz University for Health Sciences (KSAU-HS)
Classification: Pathogenic for Long QT syndrome 1. Last evaluated: 2023-04-01. Review status: no assertion criteria provided. Collection method: clinical testing. Allele origin: germline. Affected: yes. Not counted in ClinVar's aggregate classification.

Literature cited by the submitters: PubMed 9323054 (cited by Labcorp Genetics (formerly Invitae), Labcorp and All of Us Research Program, National Institutes of Health); PubMed 19862833 (cited by Labcorp Genetics (formerly Invitae), Labcorp and All of Us Research Program, National Institutes of Health); PubMed 19716085 (cited by 3 submitters); PubMed 26318259 (cited by Color Diagnostics, LLC DBA Color Health and All of Us Research Program, National Institutes of Health).